The following is an entry in ClinVar:

NM_003072.5(SMARCA4):c.1289T>C (p.Leu430Pro)

Gene: SMARCA4 (SWI/SNF related BAF chromatin remodeling complex subunit ATPase 4; plus strand). Cytogenetic location: 19p13.2.
Variant type: single nucleotide variant.
Coding change: c.1289T>C on transcript NM_003072.5 (MANE Select); coding-DNA position 1289, T replaced by C.
Protein change: p.Leu430Pro; replaces leucine 430 with proline.
Molecular consequence: missense variant. On other transcripts: non-coding transcript variant (1).
Genome position (GRCh38, 1-based): chr19:10,991,193, T>C. VCF-style: chr19-10991193-T-C. GRCh37 (hg19) VCF-style: chr19-11101869-T-C.
Other names: c.1289T>C, p.Leu430Pro (NM_001128844.3, NM_001128845.2, NM_001128846.2 and 6 more transcripts); short protein forms L430P.
Identifiers: ClinVar variation 1769047 (VCV001769047.2), dbSNP rs746562413, ClinGen allele CA9203747.

ClinVar aggregate classification (germline): Uncertain significance (1 of 4 stars; one submission).

Conditions:
Hereditary cancer-predisposing syndrome. Also called: Hereditary Cancer Syndrome; Hereditary neoplastic syndrome; Neoplastic Syndromes, Hereditary; Tumor predisposition. Identifiers: Orphanet 140162, MedGen C0027672, MeSH D009386, MONDO:0015356.

Allele frequency attached by ClinVar (database versions not stated): ExAC 0.00001.

Submission:

Ambry Genetics
Classification: Uncertain significance for Hereditary cancer-predisposing syndrome. Last evaluated: 2021-10-27. Review status: criteria provided, single submitter. Criteria: Ambry Variant Classification Scheme 2023. Collection method: clinical testing. Allele origin: germline.
Comment: The p.L430P variant (also known as c.1289T>C), located in coding exon 7 of the SMARCA4 gene, results from a T to C substitution at nucleotide position 1289. The leucine at codon 430 is replaced by proline, an amino acid with similar properties. This amino acid position is highly conserved in available vertebrate species. In addition, this alteration is predicted to be deleterious by in silico analysis. Missense and in-frame variants in SMARCA4 are known to cause neurodevelopmental disorders; however, such associations with rhabdoid tumor predisposition syndrome including small cell carcinoma of the ovary-hypercalcemic type (SCCOHT) are exceedingly rare (Kosho T et al. Am J Med Genet C Semin Med Genet. 2014 Sep;166C(3):262-75; Jelinic P et al. Nat Genet. 2014 May;46(5):424-6). Since supporting evidence is limited at this time, the clinical significance of this alteration remains unclear.

Literature cited by the submitters: PubMed 31130284.